The following is an entry in ClinVar:

ClinVar aggregate classification (germline): Uncertain significance (1 of 4 stars; one submission).

Conditions:
Autism spectrum disorder - epilepsy - arthrogryposis syndrome (AMRS). Identifiers: Orphanet 370943, MedGen C3809910, MONDO:0014248, OMIM 615553.

Allele frequency attached by ClinVar (database versions not stated): gnomAD exomes below 0.00001.
gnomAD v4.1: 1 of 1,598,554 alleles (0.000063%); highest among the groups gnomAD compares: Admixed American, 0.0017%; no homozygotes.

Submission:

Labcorp Genetics (formerly Invitae), Labcorp
Classification: Uncertain significance for Autism spectrum disorder - epilepsy - arthrogryposis syndrome. Last evaluated: 2022-08-09. Review status: criteria provided, single submitter. Criteria: Invitae Variant Classification Sherloc (09022015). Collection method: clinical testing. Allele origin: germline.
Comment: This sequence change replaces glutamic acid, which is acidic and polar, with alanine, which is neutral and non-polar, at codon 83 of the SLC35A3 protein (p.Glu83Ala). This variant is not present in population databases (gnomAD no frequency). This variant has not been reported in the literature in individuals affected with SLC35A3-related conditions. Algorithms developed to predict the effect of missense changes on protein structure and function are either unavailable or do not agree on the potential impact of this missense change (SIFT: "Deleterious"; PolyPhen-2: "Benign"; Align-GVGD: "Class C0"). In summary, the available evidence is currently insufficient to determine the role of this variant in disease. Therefore, it has been classified as a Variant of Uncertain Significance.

NM_012243.3(SLC35A3):c.248A>C (p.Glu83Ala)

Gene: SLC35A3 (solute carrier family 35 member A3; plus strand). Cytogenetic location: 1p21.2.
Variant type: single nucleotide variant.
Coding change: c.248A>C on transcript NM_012243.3 (MANE Select); coding-DNA position 248, A replaced by C.
Protein change: p.Glu83Ala; replaces glutamic acid 83 with alanine.
Molecular consequence: missense variant.
Genome position (GRCh38, 1-based): chr1:99,999,321, A>C. VCF-style: chr1-99999321-A-C. GRCh37 (hg19) VCF-style: chr1-100464877-A-C.
Other names: c.248A>C, p.Glu83Ala (NM_001271684.2); c.374A>C, p.Glu125Ala (NM_001271685.2); short protein forms E83A, E125A.
Identifiers: ClinVar variation 2181034 (VCV002181034.1), dbSNP rs2524431026, ClinGen allele CA341326260.